The following is an entry in ClinVar:

NM_003872.3(NRP2):c.1292-4G>A

Gene: NRP2 (neuropilin 2; plus strand). Cytogenetic location: 2q33.3.
Variant type: single nucleotide variant.
Coding change: c.1292-4G>A on transcript NM_003872.3 (MANE Select); 4 bases into the intron before coding-DNA position 1292, G replaced by A.
Molecular consequence: intron variant.
Genome position (GRCh38, 1-based): chr2:205,743,199, G>A. VCF-style: chr2-205743199-G-A. GRCh37 (hg19) VCF-style: chr2-206607923-G-A.
Other names: c.1292-4G>A (NM_201266.2, NM_201279.2, NM_018534.4 and 2 more transcripts).
Identifiers: ClinVar variation 3349341 (VCV003349341.1).
Genomic context (GRCh38, chr2:205,743,199, plus strand): 5'-GCGGGTGGTCCCTGGTTAGCAGGTGTCAGCCATGACCTCTTGTATCTTCCTCTCCTCTCT[G>A]CAGATGCTCCCTGCTCCAACATGCTGGGGATGCTCTCAGGCCTCATTGCAGACTCCCAGA-3'

ClinVar aggregate classification (germline): Likely benign (0 of 4 stars; one submission).

Conditions:
NRP2-related disorder. Also called: NRP2-related condition.

Submission:

PreventionGenetics, part of Exact Sciences
Classification: Likely benign for NRP2-related condition. Last evaluated: 2024-01-30. Review status: no assertion criteria provided. Collection method: clinical testing. Allele origin: germline.
Comment: This variant is classified as likely benign based on ACMG/AMP sequence variant interpretation guidelines (Richards et al. 2015 PMID: 25741868, with internal and published modifications).